The following is an entry in ClinVar:

ClinVar aggregate classification (germline): Uncertain significance. Review status: criteria provided, multiple submitters, no conflicts (2 of 4 stars). 2 submissions from 2 submitters: Uncertain significance (2). Last evaluated 2024-09-30.

Conditions:
Inborn genetic diseases. Identifiers: MedGen C0950123, MeSH D030342.

gnomAD v4.1: 1 of 1,554,710 alleles (0.000064%); highest among the groups gnomAD compares: Non-Finnish European, 0.000087%; no homozygotes.

Submissions (2):

Ambry Genetics
Classification: Uncertain significance for Inborn genetic diseases. Last evaluated: 2024-09-30. Review status: criteria provided, single submitter. Criteria: Ambry Variant Classification Scheme 2023. Collection method: clinical testing. Allele origin: germline.

Labcorp Genetics (formerly Invitae), Labcorp
Classification: Uncertain significance. Last evaluated: 2022-06-14. Review status: criteria provided, single submitter. Criteria: Invitae Variant Classification Sherloc (09022015). Collection method: clinical testing. Allele origin: germline.
Comment: Algorithms developed to predict the effect of sequence changes on RNA splicing suggest that this variant may create or strengthen a splice site. Experimental studies and prediction algorithms are not available or were not evaluated, and the functional significance of this variant is currently unknown. This variant has not been reported in the literature in individuals affected with ADSSL1-related conditions. This variant is present in population databases (no rsID available, gnomAD 0.002%). This sequence change replaces glutamine, which is neutral and polar, with glutamic acid, which is acidic and polar, at codon 13 of the ADSSL1 protein (p.Gln13Glu). In summary, the available evidence is currently insufficient to determine the role of this variant in disease. Therefore, it has been classified as a Variant of Uncertain Significance.

NM_152328.5(ADSS1):c.193-5091C>G

Gene: ADSS1 (adenylosuccinate synthase 1; plus strand). Cytogenetic location: 14q32.33.
Variant type: single nucleotide variant.
Coding change: c.193-5091C>G on transcript NM_152328.5 (MANE Select); 5091 bases into the intron before coding-DNA position 193, C replaced by G.
Molecular consequence: intron variant. On other transcripts: 5 prime UTR variant (1), missense variant (1).
Genome position (GRCh38, 1-based): chr14:104,729,929, C>G. VCF-style: chr14-104729929-C-G. GRCh37 (hg19) VCF-style: chr14-105196266-C-G.
Other names: c.-691C>G (NM_001320424.1); c.37C>G, p.Gln13Glu (NM_199165.2); c.37C>G (NM_199165.1); short protein forms Q13E.
Identifiers: ClinVar variation 2100962 (VCV002100962.3), dbSNP rs1372239834, ClinGen allele CA391232387.